The following is an entry in ClinVar:

NM_004958.4(MTOR):c.1608A>T (p.Gln536His)

Gene: MTOR (mechanistic target of rapamycin kinase; minus strand). Cytogenetic location: 1p36.22.
Variant type: single nucleotide variant.
Coding change: c.1608A>T on transcript NM_004958.4 (MANE Select); coding-DNA position 1608, A replaced by T.
Protein change: p.Gln536His; replaces glutamine 536 with histidine.
Molecular consequence: missense variant.
Genome position (GRCh38, 1-based): chr1:11,240,481, T>A on the plus strand (A>T on the coding strand, the complement: MTOR is on the minus strand). VCF-style: chr1-11240481-T-A. GRCh37 (hg19) VCF-style: chr1-11300538-T-A.
Other names: c.1608A>T, p.Gln536His (NM_001386500.1); c.360A>T, p.Gln120His (NM_001386501.1); short protein forms Q120H, Q536H.
Identifiers: ClinVar variation 4799848 (VCV004799848.1).

ClinVar aggregate classification (germline): Uncertain significance (1 of 4 stars; one submission).

Submission:

Labcorp Genetics (formerly Invitae), Labcorp
Classification: Uncertain significance. Last evaluated: 2025-06-19. Review status: criteria provided, single submitter. Criteria: Invitae Variant Classification Sherloc (09022015). Collection method: clinical testing. Allele origin: germline.
Comment: This sequence change replaces glutamine, which is neutral and polar, with histidine, which is basic and polar, at codon 536 of the MTOR protein (p.Gln536His). This variant is not present in population databases (gnomAD no frequency). This variant has not been reported in the literature in individuals affected with MTOR-related conditions. Invitae Evidence Modeling of protein sequence and biophysical properties (such as structural, functional, and spatial information, amino acid conservation, physicochemical variation, residue mobility, and thermodynamic stability) indicates that this missense variant is not expected to disrupt MTOR protein function with a negative predictive value of 95%. In summary, the available evidence is currently insufficient to determine the role of this variant in disease. Therefore, it has been classified as a Variant of Uncertain Significance.